The following is an entry in ClinVar:

NM_007294.4(BRCA1):c.5463C>A (p.Phe1821Leu)

Gene: BRCA1 (BRCA1 DNA repair associated; minus strand). Cytogenetic location: 17q21.31.
Variant type: single nucleotide variant.
Coding change: c.5463C>A on transcript NM_007294.4 (MANE Select); coding-DNA position 5463, C replaced by A.
Protein change: p.Phe1821Leu; replaces phenylalanine 1821 with leucine.
Molecular consequence: missense variant. On other transcripts: non-coding transcript variant (1).
Genome position (GRCh38, 1-based): chr17:43,047,647, G>T on the plus strand (C>A on the coding strand, the complement: BRCA1 is on the minus strand). VCF-style: chr17-43047647-G-T. GRCh37 (hg19) VCF-style: chr17-41199664-G-T.
Other names: c.5334C>A, p.Phe1778Leu (NM_001407683.1, NM_001407684.1, NM_001407685.1 and 6 more transcripts); c.5331C>A, p.Phe1777Leu (NM_001407690.1, NM_001407691.1); c.5322C>A, p.Phe1774Leu (NM_001407692.1, NM_001407728.1, NM_001407729.1 and 12 more transcripts); c.5463C>A, p.Phe1821Leu (NM_001407602.1, NM_001407603.1, NM_001407605.1 and 5 more transcripts); c.5460C>A, p.Phe1820Leu (NM_001407610.1, NM_001407611.1, NM_001407612.1 and 14 more transcripts); c.5457C>A, p.Phe1819Leu (NM_001407627.1, NM_001407628.1, NM_001407629.1 and 13 more transcripts); c.5454C>A, p.Phe1818Leu (NM_001407644.1, NM_001407645.1); c.5451C>A, p.Phe1817Leu (NM_001407646.1); and 83 more; short protein forms F1774L, F1821L, F717L, P693T, F1842L, F1667L, F1737L, F1751L.
Identifiers: ClinVar variation 868109 (VCV000868109.3), dbSNP rs2050977262, ClinGen allele CA10590437.

Conditions:
Breast-ovarian cancer, familial, susceptibility to, 1 (BROVCA1). Also called: BRCA1 Hereditary Breast and Ovarian Cancer; OVARIAN CANCER, SUSCEPTIBILITY TO. Identifiers: Orphanet 145, MedGen C2676676, MONDO:0011450, OMIM 604370. Disease mechanism: loss of function.

Submission:

Brotman Baty Institute, University of Washington
No classification provided (evidence only). Condition: Breast-ovarian cancer, familial 1. Review status: no classification provided. Collection method: in vitro. Allele origin: not applicable. Functional consequence: functionally_normal.
ClinVar note: "not provided" was previously submitted as the classification for the variant. However, the classification appeared to be based only on an observation of functional data so it was converted to no classification on 2025-07-30.